The following is an entry in ClinVar:

NM_001009944.3(PKD1):c.3294_3295+5del

Gene: PKD1 (polycystin 1, transient receptor potential channel interacting; minus strand). Cytogenetic location: 16p13.3.
Variant type: Deletion.
Coding change: c.3294_3295+5del on transcript NM_001009944.3 (MANE Select); coding-DNA position 3294 through 5 bases into the intron after coding-DNA position 3295, 7 bases deleted (AGGTGAG; older notation c.3294_3295+5delAGGTGAG).
Molecular consequence: splice donor variant.
Genome position (GRCh38, 1-based): chr16:2,112,335-2,112,341, CTCACCT deleted on the plus strand (AGGTGAG on the coding strand, the reverse complement: PKD1 is on the minus strand). VCF-style (leftmost placement, unchanged base first): chr16-2112334-CCTCACCT-C. GRCh37 (hg19) VCF-style: chr16-2162335-CCTCACCT-C.
Other names: c.3294_3295+5del (NM_000296.4).
Identifiers: ClinVar variation 3338404 (VCV003338404.1).

ClinVar aggregate classification (germline): Pathogenic (1 of 4 stars; one submission).

Conditions:
Polycystic kidney disease, adult type (PKD1). Also called: Polycystic Kidney, Autosomal Dominant; POLYCYSTIC KIDNEY DISEASE 1 WITH OR WITHOUT POLYCYSTIC LIVER DISEASE; POLYCYSTIC KIDNEY DISEASE, ADULT, TYPE I; Polycystic Kidney Disease 1, Autosomal Dominant; Polycystic kidney disease 1; Polycystic kidney disease 1, severe. Identifiers: MedGen C3149841, MONDO:0008263, OMIM 173900.

Submission:

MVZ Medizinische Genetik Mainz
Classification: Pathogenic for Polycystic kidney disease, adult type. Last evaluated: 2024-07-25. Review status: criteria provided, single submitter. Criteria: UK Practice Guidelines For Variant Classification V4 01 2020. Collection method: clinical testing. Allele origin: germline. Inheritance: Autosomal dominant inheritance. Affected: yes. Observed: 1 variant allele.
Comment: ACMG Criteria: PVS1,PM2_SUP,PP4